The following is an entry in ClinVar:

NM_022124.6(CDH23):c.9349A>G (p.Met3117Val)

Gene: CDH23 (cadherin related 23; plus strand). Cytogenetic location: 10q22.1.
Variant type: single nucleotide variant.
Coding change: c.9349A>G on transcript NM_022124.6 (MANE Select); coding-DNA position 9349, A replaced by G.
Protein change: p.Met3117Val; replaces methionine 3117 with valine.
Molecular consequence: missense variant. On other transcripts: 5 prime UTR variant (2).
Genome position (GRCh38, 1-based): chr10:71,811,984, A>G. VCF-style: chr10-71811984-A-G. GRCh37 (hg19) VCF-style: chr10-73571741-A-G.
Other names: c.9349A>G (NM_022124.5); c.2629A>G, p.Met877Val (NM_001171933.1, NM_001171934.1); c.-308A>G (NM_001171935.1, NM_001171936.1); short protein forms M3117V, M877V.
Identifiers: ClinVar variation 990962 (VCV000990962.5), dbSNP rs1041158603, ClinGen allele CA209443144.

ClinVar aggregate classification (germline): Uncertain significance. Review status: criteria provided, multiple submitters, no conflicts (2 of 4 stars). 3 submissions from 3 submitters: Uncertain significance (2). 1 of the submissions does not count toward it. Last evaluated 2024-04-04.

Conditions:
Inborn genetic diseases. Identifiers: MedGen C0950123, MeSH D030342.
Usher syndrome type 1 (USH1). Also called: RETINITIS PIGMENTOSA AND CONGENITAL DEAFNESS. Identifiers: Orphanet 231169, Orphanet 886, MedGen C1568247, MONDO:0010168, OMIM 276900.

Allele frequency attached by ClinVar (database versions not stated): gnomAD 0.00001; gnomAD exomes below 0.00001; TOPMed 0.00001.
gnomAD v4.1: 2 of 1,612,270 alleles (0.00012%); highest among the groups gnomAD compares: African/African-American, 0.0027%; no homozygotes.

Submissions (3):

Ambry Genetics
Classification: Uncertain significance for Inborn genetic diseases. Last evaluated: 2024-04-04. Review status: criteria provided, single submitter. Criteria: Ambry Variant Classification Scheme 2023. Collection method: clinical testing. Allele origin: germline.

Labcorp Genetics (formerly Invitae), Labcorp
Classification: Uncertain significance. Last evaluated: 2022-10-14. Review status: criteria provided, single submitter. Criteria: Invitae Variant Classification Sherloc (09022015). Collection method: clinical testing. Allele origin: germline.
Comment: In summary, the available evidence is currently insufficient to determine the role of this variant in disease. Therefore, it has been classified as a Variant of Uncertain Significance. Advanced modeling of protein sequence and biophysical properties (such as structural, functional, and spatial information, amino acid conservation, physicochemical variation, residue mobility, and thermodynamic stability) performed at Invitae indicates that this missense variant is not expected to disrupt CDH23 protein function. ClinVar contains an entry for this variant (Variation ID: 990962). This variant has not been reported in the literature in individuals affected with CDH23-related conditions. This variant is present in population databases (no rsID available, gnomAD 0.01%). This sequence change replaces methionine, which is neutral and non-polar, with valine, which is neutral and non-polar, at codon 3117 of the CDH23 protein (p.Met3117Val).

Natera, Inc.
Classification: Uncertain significance for Usher syndrome type 1. Last evaluated: 2020-04-17. Review status: no assertion criteria provided. Collection method: clinical testing. Allele origin: germline. Not counted in ClinVar's aggregate classification.